The following is an entry in ClinVar:

ClinVar aggregate classification (germline): Uncertain significance (1 of 4 stars; one submission).

Conditions:
Hereditary breast ovarian cancer syndrome. Also called: Hereditary breast and ovarian cancer syndrome; Hereditary breast and/or ovarian cancer syndrome; BRCA1- and BRCA2-Associated Hereditary Breast and Ovarian Cancer; Hereditary breast and ovarian cancer syndrome (HBOC); Hereditary breast and ovarian cancer; Breast and ovarian cancer. Identifiers: Orphanet 145, MedGen C0677776, MeSH D061325, MONDO:0003582. Disease mechanism: loss of function.

Submission:

Labcorp Genetics (formerly Invitae), Labcorp
Classification: Uncertain significance for Hereditary breast ovarian cancer syndrome. Last evaluated: 2023-05-11. Review status: criteria provided, single submitter. Criteria: Invitae Variant Classification Sherloc (09022015). Collection method: clinical testing. Allele origin: germline.
Comment: This variant is not present in population databases (gnomAD no frequency). In summary, the available evidence is currently insufficient to determine the role of this variant in disease. Therefore, it has been classified as a Variant of Uncertain Significance. This variant has not been reported in the literature in individuals affected with BRCA1-related conditions. This variant, c.890_892dup, results in the insertion of 1 amino acid(s) of the BRCA1 protein (p.Met297dup), but otherwise preserves the integrity of the reading frame.

NM_007294.4(BRCA1):c.890_892dup (p.Met297_Asn298insMet)

Gene: BRCA1 (BRCA1 DNA repair associated; minus strand). Cytogenetic location: 17q21.31.
Variant type: Duplication.
Coding change: c.890_892dup on transcript NM_007294.4 (MANE Select); coding-DNA positions 890 to 892, 3 bases duplicated (TGA; older notation c.890_892dupTGA).
Protein change: p.Met297_Asn298insMet.
Molecular consequence: inframe insertion. On other transcripts: intron variant (137), initiator codon variant (2).
Genome position (GRCh38, 1-based): chr17:43,094,639-43,094,641, TCA duplicated on the plus strand (TGA on the coding strand, the reverse complement: BRCA1 is on the minus strand); duplicating any 3 consecutive bases within chr17:43,094,639-43,094,642 gives the same sequence; the c. name uses the placement nearest the transcript's 3' end. VCF-style (leftmost placement, unchanged base first): chr17-43094638-T-TTCA. GRCh37 (hg19) VCF-style: chr17-41246655-T-TTCA.
Other names: c.661+103_661+105dup (NM_001408434.1, NM_001408447.1, NM_001408433.1 and 6 more transcripts); c.784+103_784+105dup (NM_001408398.1, NM_001407992.1, NM_001408400.1 and 13 more transcripts); c.670+1205_670+1207dup (NM_001408418.1, NM_001408423.1, NM_001408420.1 and 2 more transcripts); c.787+103_787+105dup (NM_001407981.1, NM_007298.4, NM_001407978.1 and 19 more transcripts); c.643+103_643+105dup (NM_001408462.1, NM_001408470.1, NM_001408464.1 and 3 more transcripts); c.664+103_664+105dup (NM_001408440.1, NM_001408428.1, NM_001408426.1 and 12 more transcripts); c.709+103_709+105dup (NM_001408414.1, NM_001408411.1, NM_001408415.1 and 2 more transcripts); c.577+103_577+105dup (NM_001408514.1, NM_001408485.1, NM_001408483.1 and 9 more transcripts); and 40 more.
Identifiers: ClinVar variation 2863374 (VCV002863374.3), dbSNP rs2552227633, ClinGen allele CA2739265619.